The following is an entry in ClinVar:

NM_001199138.2(NLRC4):c.1331A>C (p.Lys444Thr)

Gene: NLRC4 (NLR family CARD domain containing 4; minus strand). Cytogenetic location: 2p22.3.
Variant type: single nucleotide variant.
Coding change: c.1331A>C on transcript NM_001199138.2 (MANE Select); coding-DNA position 1331, A replaced by C.
Protein change: p.Lys444Thr; replaces lysine 444 with threonine.
Molecular consequence: missense variant. On other transcripts: intron variant (1).
Genome position (GRCh38, 1-based): chr2:32,250,533, T>G on the plus strand (A>C on the coding strand, the complement: NLRC4 is on the minus strand). VCF-style: chr2-32250533-T-G. GRCh37 (hg19) VCF-style: chr2-32475602-T-G.
Other names: c.1331A>C, p.Lys444Thr (NM_001199139.2, NM_021209.5); c.262+1886A>C (NM_001302504.1); short protein forms K444T.
Identifiers: ClinVar variation 1432018 (VCV001432018.9), dbSNP rs1269189081, ClinGen allele CA346512697.

ClinVar aggregate classification (germline): Uncertain significance. Review status: criteria provided, multiple submitters, no conflicts (2 of 4 stars). 2 submissions from 2 submitters: Uncertain significance (2). Last evaluated 2026-04-16.

Conditions:
Inborn genetic diseases. Identifiers: MedGen C0950123, MeSH D030342.
Familial cold autoinflammatory syndrome 4 (FCAS4). Identifiers: Orphanet 47045, Orphanet 576349, MedGen C4015276, MONDO:0014498, OMIM 616115.
Periodic fever-infantile enterocolitis-autoinflammatory syndrome. Also called: Autoinflammation with infantile enterocolitis. Identifiers: Orphanet 436166, MedGen C4015067, MONDO:0014472, OMIM 616050.

Allele frequency attached by ClinVar (database versions not stated): TOPMed 0.00001; gnomAD 0.00001.
gnomAD v4.1: 1 of 1,614,108 alleles (0.000062%); highest among the groups gnomAD compares: Non-Finnish European, 0.000085%; no homozygotes.

Submissions (2):

Ambry Genetics
Classification: Uncertain significance for Inborn genetic diseases. Last evaluated: 2026-04-16. Review status: criteria provided, single submitter. Criteria: Ambry Variant Classification Scheme 2023. Collection method: clinical testing. Allele origin: germline.

Labcorp Genetics (formerly Invitae), Labcorp
Classification: Uncertain significance for Periodic fever-infantile enterocolitis-autoinflammatory syndrome; Familial cold autoinflammatory syndrome 4. Last evaluated: 2025-04-24. Review status: criteria provided, single submitter. Criteria: Invitae Variant Classification Sherloc (09022015). Collection method: clinical testing. Allele origin: germline.
Comment: This sequence change replaces lysine, which is basic and polar, with threonine, which is neutral and polar, at codon 444 of the NLRC4 protein (p.Lys444Thr). This variant is not present in population databases (gnomAD no frequency). This variant has not been reported in the literature in individuals affected with NLRC4-related conditions. ClinVar contains an entry for this variant (Variation ID: 1432018). Invitae Evidence Modeling of protein sequence and biophysical properties (such as structural, functional, and spatial information, amino acid conservation, physicochemical variation, residue mobility, and thermodynamic stability) indicates that this missense variant is not expected to disrupt NLRC4 protein function with a negative predictive value of 80%. In summary, the available evidence is currently insufficient to determine the role of this variant in disease. Therefore, it has been classified as a Variant of Uncertain Significance.